The following is an entry in ClinVar:

ClinVar aggregate classification (germline): Uncertain significance (1 of 4 stars; one submission).

Allele frequency attached by ClinVar (database versions not stated): ExAC 0.00001; gnomAD 0.00001.
gnomAD v4.1: 1 of 1,614,020 alleles (0.000062%); highest among the groups gnomAD compares: African/African-American, 0.0013%; no homozygotes.

Submission:

Labcorp Genetics (formerly Invitae), Labcorp
Classification: Uncertain significance. Last evaluated: 2024-10-29. Review status: criteria provided, single submitter. Criteria: Invitae Variant Classification Sherloc (09022015). Collection method: clinical testing. Allele origin: germline.
Comment: This sequence change replaces methionine, which is neutral and non-polar, with threonine, which is neutral and polar, at codon 212 of the ATF6 protein (p.Met212Thr). This variant is not present in population databases (gnomAD no frequency). This variant has not been reported in the literature in individuals affected with ATF6-related conditions. ClinVar contains an entry for this variant (Variation ID: 1942922). Invitae Evidence Modeling of protein sequence and biophysical properties (such as structural, functional, and spatial information, amino acid conservation, physicochemical variation, residue mobility, and thermodynamic stability) indicates that this missense variant is not expected to disrupt ATF6 protein function with a negative predictive value of 80%. In summary, the available evidence is currently insufficient to determine the role of this variant in disease. Therefore, it has been classified as a Variant of Uncertain Significance.

NM_007348.4(ATF6):c.635T>C (p.Met212Thr)

Gene: ATF6 (activating transcription factor 6; plus strand). Cytogenetic location: 1q23.3.
Variant type: single nucleotide variant.
Coding change: c.635T>C on transcript NM_007348.4 (MANE Select); coding-DNA position 635, T replaced by C.
Protein change: p.Met212Thr; replaces methionine 212 with threonine.
Molecular consequence: missense variant.
Genome position (GRCh38, 1-based): chr1:161,792,274, T>C. VCF-style: chr1-161792274-T-C. GRCh37 (hg19) VCF-style: chr1-161762064-T-C.
Other names: c.635T>C, p.Met212Thr (NM_001410890.1); short protein forms M212T.
Identifiers: ClinVar variation 1942922 (VCV001942922.5), dbSNP rs778614001, ClinGen allele CA1214250.
Genomic context (GRCh38, chr1:161,792,274, plus strand): 5'-CTCAAACAAACTCCAGTGTTCCAGCAAAAACCATCATTATTCAGACAGTACCAACGCTTA[T>C]GCCATTGGCAAAGCAGCAACCAATTATCAGTTTACAACCTGCACCCACTAAAGGTACCTG-3'
Protein context (NP_031374.2, residues 202-222): TIIIQTVPTL[Met212Thr]PLAKQQPIIS